The following is an entry in ClinVar:

ClinVar aggregate classification (germline): Likely benign. Review status: criteria provided, multiple submitters, no conflicts (2 of 4 stars). 4 submissions from 4 submitters: Likely benign (4). Last evaluated 2024-07-15.

Conditions:
Charcot-Marie-Tooth disease, type I (CMT1). Also called: Charcot-Marie-Tooth disease type 1; Charcot-Marie-Tooth, Type 1. Identifiers: Orphanet 65753, MedGen C0751036, MONDO:0019011.
Charcot-Marie-Tooth disease. Also called: Charcot-Marie-Tooth Neuropathy; Charcot-Marie-Tooth Hereditary Neuropathy. Identifiers: Orphanet 166, MedGen C0007959, MONDO:0015626.

Allele frequency attached by ClinVar (database versions not stated): TOPMed 0.00001.
gnomAD v4.1: 72 of 1,613,936 alleles (0.0045%); highest among the groups gnomAD compares: Non-Finnish European, 0.0056%; no homozygotes.

Submissions (4):

Blueprint Genetics
Classification: Likely benign. Last evaluated: 2024-07-15. Review status: criteria provided, single submitter. Criteria: ACMG Guidelines, 2015. Collection method: clinical testing. Allele origin: germline.

CeGaT Center for Human Genetics Tuebingen
Classification: Likely benign. Last evaluated: 2023-09-01. Review status: criteria provided, single submitter. Criteria: CeGaT Center For Human Genetics Tuebingen Variant Classification Criteria Version 2. Collection method: clinical testing. Allele origin: germline. Affected: yes. Observed: 1 variant allele.
Comment: EGR2: BP4, BP7

Labcorp Genetics (formerly Invitae), Labcorp
Classification: Likely benign for Charcot-Marie-Tooth disease, type I. Last evaluated: 2021-03-26. Review status: criteria provided, single submitter. Criteria: Invitae Variant Classification Sherloc (09022015). Collection method: clinical testing. Allele origin: germline.

Molecular Genetics Laboratory, London Health Sciences Centre
Classification: Likely benign for Charcot-Marie-Tooth disease. Review status: criteria provided, single submitter. Criteria: ACMG Guidelines, 2015. Collection method: clinical testing. Allele origin: germline. Affected: yes.

NM_000399.5(EGR2):c.645G>A (p.Thr215=)

Gene: EGR2 (early growth response 2; minus strand). Cytogenetic location: 10q21.3.
Variant type: single nucleotide variant.
Coding change: c.645G>A on transcript NM_000399.5 (MANE Select); coding-DNA position 645, G replaced by A.
Protein change: p.Thr215=; no amino-acid change (threonine 215 retained).
Molecular consequence: synonymous variant.
Genome position (GRCh38, 1-based): chr10:62,813,993, C>T on the plus strand (G>A on the coding strand, the complement: EGR2 is on the minus strand). VCF-style: chr10-62813993-C-T. GRCh37 (hg19) VCF-style: chr10-64573753-C-T.
Other names: c.645G>A, p.Thr215= (NM_001136177.3, NM_001136178.2); c.495G>A, p.Thr165= (NM_001136179.3, NM_001321037.2).
Identifiers: ClinVar variation 917061 (VCV000917061.35), dbSNP rs781408172, ClinGen allele CA5517249.